The following is an entry in ClinVar:

NM_001103.4(ACTN2):c.448+6A>G

Gene: ACTN2 (actinin alpha 2; plus strand). Cytogenetic location: 1q43.
Variant type: single nucleotide variant.
Coding change: c.448+6A>G on transcript NM_001103.4 (MANE Select); 6 bases into the intron after coding-DNA position 448, A replaced by G.
Molecular consequence: intron variant.
Genome position (GRCh38, 1-based): chr1:236,720,197, A>G. VCF-style: chr1-236720197-A-G. GRCh37 (hg19) VCF-style: chr1-236883497-A-G.
Other names: c.448+6A>G (NM_001278343.2).
Identifiers: ClinVar variation 3759601 (VCV003759601.2).
Genomic context (GRCh38, chr1:236,720,197, plus strand): 5'-GGTATGATCTGGACCATCATCCTTCGCTTTGCTATTCAGGATATTTCGGTTGAAGGTAAA[A>G]GACATGGTTAAAAGTCTAATTGTATAATCTGTAAATTGAGCTTGTGAATTAAAATTTGAG-3'

ClinVar aggregate classification (germline): Uncertain significance (1 of 4 stars; one submission).

Conditions:
Primary familial hypertrophic cardiomyopathy (HCM). Identifiers: Orphanet 99739, MedGen C0949658, MeSH D024741, MONDO:0024573. Inheritance: Various modes of inheritance.
Dilated cardiomyopathy 1AA (CMD1AA). Also called: CARDIOMYOPATHY, DILATED, 1AA, WITH OR WITHOUT LEFT VENTRICULAR NONCOMPACTION; CARDIOMYOPATHY, FAMILIAL HYPERTROPHIC, 23, WITH OR WITHOUT LEFT VENTRICULAR NONCOMPACTION; Cardiomyopathy, dilated, 1AA, with or without LVNC. Identifiers: Orphanet 154, MedGen C2677338, MONDO:0012808, OMIM 612158.

Submission:

Labcorp Genetics (formerly Invitae), Labcorp
Classification: Uncertain significance for Primary familial hypertrophic cardiomyopathy; Dilated cardiomyopathy 1AA. Last evaluated: 2024-11-03. Review status: criteria provided, single submitter. Criteria: Invitae Variant Classification Sherloc (09022015). Collection method: clinical testing. Allele origin: germline.
Comment: This sequence change falls in intron 4 of the ACTN2 gene. It does not directly change the encoded amino acid sequence of the ACTN2 protein. It affects a nucleotide within the consensus splice site. This variant is not present in population databases (gnomAD no frequency). This variant has not been reported in the literature in individuals affected with ACTN2-related conditions. Variants that disrupt the consensus splice site are a relatively common cause of aberrant splicing (PMID: 17576681, 9536098). Algorithms developed to predict the effect of sequence changes on RNA splicing suggest that this variant is not likely to affect RNA splicing. In summary, the available evidence is currently insufficient to determine the role of this variant in disease. Therefore, it has been classified as a Variant of Uncertain Significance.

Literature cited by the submitters: PubMed 17576681; PubMed 9536098.